The following is an entry in ClinVar:

ClinVar aggregate classification (germline): Uncertain significance (1 of 4 stars; one submission).

gnomAD v4.1: 1 of 1,600,180 alleles (0.000062%); highest among the groups gnomAD compares: Non-Finnish European, 0.000085%; no homozygotes.

Submission:

GeneDx
Classification: Uncertain significance. Last evaluated: 2025-03-01. Review status: criteria provided, single submitter. Criteria: GeneDx Variant Classification Process June 2021. Collection method: clinical testing. Allele origin: germline. Affected: yes.
Comment: Not observed at significant frequency in large population cohorts (gnomAD); In silico analysis supports that this missense variant has a deleterious effect on protein structure/function; Has not been previously published as pathogenic or benign to our knowledge

NM_006946.4(SPTBN2):c.3223G>A (p.Asp1075Asn)

Gene: SPTBN2 (spectrin beta, non-erythrocytic 2; minus strand). Cytogenetic location: 11q13.2.
Variant type: single nucleotide variant.
Coding change: c.3223G>A on transcript NM_006946.4 (MANE Select); coding-DNA position 3223, G replaced by A.
Protein change: p.Asp1075Asn; replaces aspartic acid 1075 with asparagine.
Molecular consequence: missense variant.
Genome position (GRCh38, 1-based): chr11:66,700,876, C>T on the plus strand (G>A on the coding strand, the complement: SPTBN2 is on the minus strand). VCF-style: chr11-66700876-C-T. GRCh37 (hg19) VCF-style: chr11-66468347-C-T.
Other names: c.3244G>A, p.Asp1082Asn (NM_001411025.1); c.3223G>A, p.Asp1075Asn (NM_001437541.1); short protein forms D1075N, D1082N.
Identifiers: ClinVar variation 4077367 (VCV004077367.1).